The following is an entry in ClinVar:

NM_000358.3(TGFBI):c.1504A>G (p.Met502Val)

Gene: TGFBI (transforming growth factor beta induced; plus strand). Cytogenetic location: 5q31.1.
Variant type: single nucleotide variant.
Coding change: c.1504A>G on transcript NM_000358.3 (MANE Select); coding-DNA position 1504, A replaced by G.
Protein change: p.Met502Val; replaces methionine 502 with valine.
Molecular consequence: missense variant.
Genome position (GRCh38, 1-based): chr5:136,055,773, A>G. VCF-style: chr5-136055773-A-G. GRCh37 (hg19) VCF-style: chr5-135391462-A-G.
Other names: short protein forms M502V.
Identifiers: ClinVar variation 713967 (VCV000713967.14), dbSNP rs188677757, ClinGen allele CA3420428.
Genomic context (GRCh38, chr5:136,055,773, plus strand): 5'-CACGACAAGAGGGGGAGGTACGGGACCCTGTTCACGATGGACCGGGTGCTGACCCCCCCA[A>G]TGGGGACTGTCATGGATGTCCTGAAGGGAGACAATCGCTTTAGGTAATTAGTTCCATCCC-3'
Protein context (NP_000349.1, residues 492-512): FTMDRVLTPP[Met502Val]GTVMDVLKGD

ClinVar aggregate classification (germline): Conflicting classifications of pathogenicity. Review status: criteria provided, conflicting classifications (1 of 4 stars). 3 submissions from 3 submitters: Uncertain significance (2); Likely benign (1). Last evaluated 2025-11-23.

Conditions:
Corneal dystrophy. Identifiers: Orphanet 34533, MedGen C0010036, MONDO:0018102, HP:0001131.

Allele frequency attached by ClinVar (database versions not stated): 1000 Genomes Project 30x 0.00078; 1000 Genomes Project 0.00080; TOPMed 0.00178; ExAC 0.00210; ESP Exome Variant Server 0.00324.
gnomAD v4.1: 3,250 of 1,612,746 alleles (0.2%); highest among the groups gnomAD compares: Admixed American, 0.31%; 2 homozygotes.

Submissions (3):

Labcorp Genetics (formerly Invitae), Labcorp
Classification: Likely benign. Last evaluated: 2025-11-23. Review status: criteria provided, single submitter. Criteria: Invitae Variant Classification Sherloc (09022015). Collection method: clinical testing. Allele origin: germline.

Revvity Omics, Revvity
Classification: Uncertain significance. Last evaluated: 2020-02-19. Review status: criteria provided, single submitter. Criteria: ACMG Guidelines, 2015. Collection method: clinical testing. Allele origin: germline.

Illumina Laboratory Services, Illumina
Classification: Uncertain significance for Corneal dystrophy. Last evaluated: 2017-04-28. Review status: criteria provided, single submitter. Criteria: ICSL Variant Classification Criteria 13 December 2019. Collection method: clinical testing. Allele origin: germline.
Comment: This variant was observed as part of a predisposition screen in an ostensibly healthy population. A literature search was performed for the gene, cDNA change, and amino acid change (where applicable). Publications were found based on this search. However, the evidence from the literature, in combination with allele frequency data from public databases where available, was not sufficient to rule this variant in or out of causing disease. Therefore, this variant is classified as a variant of unknown significance.

Literature cited by the submitters: PubMed 24406863 (cited by Illumina Laboratory Services, Illumina); PubMed 21617751 (cited by Illumina Laboratory Services, Illumina); PubMed 26748743 (cited by Illumina Laboratory Services, Illumina); PubMed 25284770 (cited by Illumina Laboratory Services, Illumina); PubMed 19303004 (cited by Illumina Laboratory Services, Illumina).